The following is an entry in ClinVar:

ClinVar aggregate classification (germline): Likely pathogenic (1 of 4 stars; one submission).

Conditions:
Retinitis pigmentosa (RP). Identifiers: Orphanet 791, MedGen C0035334, MeSH D012174, MONDO:0019200, OMIM 268000. Inheritance: Autosomal dominant, autosomal recessive and X linked inheritance.

Submission:

Women's Health and Genetics/Laboratory Corporation of America, LabCorp
Classification: Likely pathogenic for Retinitis pigmentosa. Last evaluated: 2025-10-30. Review status: criteria provided, single submitter. Criteria: LabCorp Variant Classification Summary - May 2015. Collection method: clinical testing. Allele origin: germline.
Comment: Variant summary: ABCA4 c.2919-826T>A is located at a position not widely known to affect splicing. Several computational tools predict a significant impact on normal splicing: Two predict the variant creates a 5' donor site. Two predict the variant strengthens a cryptic 5' donor site. One predicts the variant creates a 3' acceptor site. At least two publications (with overlapping authorship) report experimental evidence from in vitro HEK293 cell midigene assays that this variant affects mRNA splicing, resulting in the inclusion of 133 nucleotide pseudoexon containing a novel stop codon, predicted to result in nonsense mediated decay (example, Fadaie_2019, Tomkiewicz_2021). The variant was absent in 366094 control chromosomes. c.2919-826T>A has been observed in the presumed compound heterozygous state in at least 2 individual(s) affected with Stargardt disease (example, Zernant_2014, Fadaie_2019, Khan_2020) as well as in other individuals with clinical features of ABCA4-related conditions without strong evidence for causality (example, Del Pozo-Valero_2020, Cornelis_2022, Lee_2021). These data indicate that the variant may be associated with disease. The following publications have been ascertained in the context of this evaluation (PMID: 31397521, 36259723, 32307445, 25082829, 34327195, 32619608, 35120629, 32278709, 33909047, 35119454, 39462066, 33924840, 40225145). No submitters have cited clinical-significance assessments for this variant to ClinVar. Based on the evidence outlined above, the variant was classified as likely pathogenic.

Literature cited by the submitters: PubMed 35119454; PubMed 32307445; PubMed 36259723; PubMed 32619608; PubMed 34327195; PubMed 35120629; PubMed 31397521; PubMed 25082829; PubMed 33909047; PubMed 39462066; PubMed 40225145; PubMed 32278709; PubMed 33924840.

NM_000350.3(ABCA4):c.2919-826T>A

Gene: ABCA4 (ATP binding cassette subfamily A member 4; minus strand). Cytogenetic location: 1p22.1.
Variant type: single nucleotide variant.
Coding change: c.2919-826T>A on transcript NM_000350.3 (MANE Select); 826 bases into the intron before coding-DNA position 2919, T replaced by A.
Molecular consequence: intron variant.
Genome position (GRCh38, 1-based): chr1:94,045,570, A>T on the plus strand (T>A on the coding strand, the complement: ABCA4 is on the minus strand). VCF-style: chr1-94045570-A-T. GRCh37 (hg19) VCF-style: chr1-94511126-A-T.
Other names: c.2697-826T>A (NM_001425324.1).
Identifiers: ClinVar variation 4687211 (VCV004687211.1).